The following is an entry in ClinVar:

ClinVar aggregate classification (germline): Pathogenic (1 of 4 stars; one submission).

Conditions:
Evans syndrome, immunodeficiency, and premature immunosenescence associated with tripeptidyl-peptidase II deficiency. Identifiers: MedGen CN231723. Disease mechanism: loss of function.

Submission:

Labcorp Genetics (formerly Invitae), Labcorp
Classification: Pathogenic for Evans syndrome, immunodeficiency, and premature immunosenescence associated with tripeptidyl-peptidase II deficiency. Last evaluated: 2024-11-25. Review status: criteria provided, single submitter. Criteria: Invitae Variant Classification Sherloc (09022015). Collection method: clinical testing. Allele origin: germline.
Comment: This sequence change creates a premature translational stop signal (p.Gln855*) in the TPP2 gene. It is expected to result in an absent or disrupted protein product. Loss-of-function variants in TPP2 are known to be pathogenic (PMID: 25414442). This variant is not present in population databases (gnomAD no frequency). This variant has not been reported in the literature in individuals affected with TPP2-related conditions. For these reasons, this variant has been classified as Pathogenic.

Literature cited by the submitters: PubMed 25414442.

NM_001330588.2(TPP2):c.2563C>T (p.Gln855Ter)

Gene: TPP2 (tripeptidyl peptidase 2; plus strand). Cytogenetic location: 13q33.1.
Variant type: single nucleotide variant.
Coding change: c.2563C>T on transcript NM_001330588.2 (MANE Select); coding-DNA position 2563, C replaced by T.
Protein change: p.Gln855Ter; replaces glutamine 855 with a stop codon.
Molecular consequence: nonsense. On other transcripts: non-coding transcript variant (1).
Genome position (GRCh38, 1-based): chr13:102,647,279, C>T. VCF-style: chr13-102647279-C-T. GRCh37 (hg19) VCF-style: chr13-103299629-C-T.
Other names: c.2563C>T, p.Gln855Ter (NM_001367947.1, NM_003291.4); short protein forms Q855*.
Identifiers: ClinVar variation 3726063 (VCV003726063.2).